The following is an entry in ClinVar:

ClinVar aggregate classification (germline): Pathogenic (1 of 4 stars; one submission).

Submission:

GeneDx
Classification: Pathogenic. Last evaluated: 2019-12-30. Review status: criteria provided, single submitter. Criteria: GeneDx Variant Classification Process June 2021. Collection method: clinical testing. Allele origin: germline. Affected: yes.
Comment: Frameshift variant predicted to result in protein truncation or nonsense mediated decay in a gene for which loss-of-function is a known mechanism of disease; Not observed in large population cohorts (Lek et al., 2016); Has not been previously published as pathogenic or benign to our knowledge

NM_017780.4(CHD7):c.2846del (p.Pro949fs)

Gene: CHD7 (chromodomain helicase DNA binding protein 7; plus strand). Cytogenetic location: 8q12.2.
Variant type: Deletion.
Coding change: c.2846del on transcript NM_017780.4 (MANE Select); coding-DNA position 2846, one base deleted (C; older notation c.2846delC).
Protein change: p.Pro949fs; shifts the reading frame from proline 949.
Molecular consequence: frameshift variant. On other transcripts: intron variant (1).
Genome position (GRCh38, 1-based): chr8:60,822,034, C deleted; the last of 2 consecutive C bases (chr8:60,822,033-60,822,034); deleting either gives the same sequence. VCF-style (leftmost placement, unchanged base first): chr8-60822032-TC-T. GRCh37 (hg19) VCF-style: chr8-61734591-TC-T.
Other names: c.2846delC (NM_017780.2); c.1717-40195del (NM_001316690.1); short protein forms P949fs.
Identifiers: ClinVar variation 817735 (VCV000817735.2), dbSNP rs1586389979, ClinGen allele CA915945716.